The following is an entry in ClinVar:

ClinVar aggregate classification (germline): Uncertain significance. Review status: criteria provided, multiple submitters, no conflicts (2 of 4 stars). 2 submissions from 2 submitters: Uncertain significance (2). Last evaluated 2024-11-21.

Conditions:
Spastic paraplegia. Identifiers: MedGen C0037772, HP:0001258.
Paroxysmal dyskinesia. Identifiers: Orphanet 1431, MedGen CN212549, MONDO:0015427, HP:0007166.

Allele frequency attached by ClinVar (database versions not stated): gnomAD exomes 0.00001; gnomAD 0.00001.
gnomAD v4.1: 10 of 1,613,854 alleles (0.00062%); highest among the groups gnomAD compares: South Asian, 0.0022%; no homozygotes.

Submissions (2):

Labcorp Genetics (formerly Invitae), Labcorp
Classification: Uncertain significance for Spastic paraplegia. Last evaluated: 2024-11-21. Review status: criteria provided, single submitter. Criteria: Invitae Variant Classification Sherloc (09022015). Collection method: clinical testing. Allele origin: germline.
Comment: This sequence change replaces arginine, which is basic and polar, with tryptophan, which is neutral and slightly polar, at codon 923 of the KIF5A protein (p.Arg923Trp). This variant is present in population databases (no rsID available, gnomAD 0.0008%). This variant has not been reported in the literature in individuals affected with KIF5A-related conditions. ClinVar contains an entry for this variant (Variation ID: 1344545). Invitae Evidence Modeling of protein sequence and biophysical properties (such as structural, functional, and spatial information, amino acid conservation, physicochemical variation, residue mobility, and thermodynamic stability) has been performed for this missense variant. However, the output from this modeling did not meet the statistical confidence thresholds required to predict the impact of this variant on KIF5A protein function. In summary, the available evidence is currently insufficient to determine the role of this variant in disease. Therefore, it has been classified as a Variant of Uncertain Significance.

Institute of Human Genetics, University of Goettingen
Classification: Uncertain significance for Paroxysmal dyskinesia. Last evaluated: 2022-03-18. Review status: criteria provided, single submitter. Criteria: ACMG Guidelines, 2015. Collection method: clinical testing. Allele origin: germline. Inheritance: Autosomal dominant inheritance. Affected: yes. Observed: 1 heterozygote.

NM_004984.4(KIF5A):c.2767C>T (p.Arg923Trp)

Gene: KIF5A (kinesin family member 5A; plus strand). Cytogenetic location: 12q13.3.
Variant type: single nucleotide variant.
Coding change: c.2767C>T on transcript NM_004984.4 (MANE Select); coding-DNA position 2767, C replaced by T.
Protein change: p.Arg923Trp; replaces arginine 923 with tryptophan.
Molecular consequence: missense variant.
Genome position (GRCh38, 1-based): chr12:57,581,426, C>T. VCF-style: chr12-57581426-C-T. GRCh37 (hg19) VCF-style: chr12-57975209-C-T.
Other names: c.2500C>T, p.Arg834Trp (NM_001354705.2); short protein forms R834W, R923W.
Identifiers: ClinVar variation 1344545 (VCV001344545.7), dbSNP rs1231571339, ClinGen allele CA385515573.